The following is an entry in ClinVar:

ClinVar aggregate classification (germline): Uncertain significance. Review status: criteria provided, single submitter (1 of 4 stars). 2 submissions from 2 submitters: Uncertain significance (1). 1 of the submissions does not count toward it. Last evaluated 2023-10-13.

Conditions:
KCNQ3-related disorder. Also called: KCNQ3-Related Disorders; KCNQ3-related condition. Identifiers: MedGen CN381530.
Benign neonatal seizures. Also called: Benign familial neonatal seizures; Convulsions benign familial neonatal dominant form; Autosomal dominant form of benign neonatal seizures; Benign neonatal familial convulsions; Benign familial neonatal epilepsy. Identifiers: Orphanet 1949, MedGen C0220669, MONDO:0016027.

Allele frequency attached by ClinVar (database versions not stated): gnomAD 0.00001; TOPMed 0.00001.

Submissions (2):

Labcorp Genetics (formerly Invitae), Labcorp
Classification: Uncertain significance for Benign neonatal seizures. Last evaluated: 2023-10-13. Review status: criteria provided, single submitter. Criteria: Invitae Variant Classification Sherloc (09022015). Collection method: clinical testing. Allele origin: germline.
Comment: This sequence change replaces arginine, which is basic and polar, with cysteine, which is neutral and slightly polar, at codon 106 of the KCNQ3 protein (p.Arg106Cys). This variant is present in population databases (no rsID available, gnomAD 0.002%). This variant has not been reported in the literature in individuals affected with KCNQ3-related conditions. Advanced modeling of protein sequence and biophysical properties (such as structural, functional, and spatial information, amino acid conservation, physicochemical variation, residue mobility, and thermodynamic stability) performed at Invitae indicates that this missense variant is not expected to disrupt KCNQ3 protein function. In summary, the available evidence is currently insufficient to determine the role of this variant in disease. Therefore, it has been classified as a Variant of Uncertain Significance.

PreventionGenetics, part of Exact Sciences
Classification: Uncertain significance for KCNQ3-related condition. Last evaluated: 2023-11-22. Review status: no assertion criteria provided. Collection method: clinical testing. Allele origin: germline. Not counted in ClinVar's aggregate classification.
Comment: The KCNQ3 c.316C>T variant is predicted to result in the amino acid substitution p.Arg106Cys. To our knowledge, this variant has not been reported in the literature. This variant is reported in 0.0018% of alleles in individuals of European (Non-Finnish) descent in gnomAD. At this time, the clinical significance of this variant is uncertain due to the absence of conclusive functional and genetic evidence.

NM_004519.4(KCNQ3):c.316C>T (p.Arg106Cys)

Gene: KCNQ3 (potassium voltage-gated channel subfamily Q member 3; minus strand). Cytogenetic location: 8q24.22.
Variant type: single nucleotide variant.
Coding change: c.316C>T on transcript NM_004519.4 (MANE Select); coding-DNA position 316, C replaced by T.
Protein change: p.Arg106Cys; replaces arginine 106 with cysteine.
Molecular consequence: missense variant.
Genome position (GRCh38, 1-based): chr8:132,480,217, G>A on the plus strand (C>T on the coding strand, the complement: KCNQ3 is on the minus strand). VCF-style: chr8-132480217-G-A. GRCh37 (hg19) VCF-style: chr8-133492464-G-A.
Other names: c.316C>T (NM_004519.3); short protein forms R106C.
Identifiers: ClinVar variation 2887471 (VCV002887471.5), dbSNP rs1263593623, ClinGen allele CA372292462.